The following is an entry in ClinVar:

ClinVar aggregate classification (germline): Pathogenic (1 of 4 stars; one submission).

Conditions:
Sulfite oxidase deficiency due to molybdenum cofactor deficiency type C. Also called: Molybdenum cofactor deficiency, complementation group C; Molybdenum cofactor deficiency C. Identifiers: Orphanet 308400, Orphanet 833, MedGen C1854990, MONDO:0014212, OMIM 615501.

Submission:

Labcorp Genetics (formerly Invitae), Labcorp
Classification: Pathogenic for Sulfite oxidase deficiency due to molybdenum cofactor deficiency type C. Last evaluated: 2023-10-24. Review status: criteria provided, single submitter. Criteria: Invitae Variant Classification Sherloc (09022015). Collection method: clinical testing. Allele origin: germline.
Comment: This variant is a gross deletion of the genomic region encompassing exon(s) 3-8 of the GPHN gene. This deletion is out-of-frame, and is expected to create a premature termination codon and result in an absent or disrupted protein product. Loss-of-function variants in GPHN are known to be pathogenic (PMID: 11095995, 23184456, 23393157, 24561070, 26613940). A similar copy number variant has been observed in individual(s) with schizophrenia (PMID: 23393157). For these reasons, this variant has been classified as Pathogenic.

Literature cited by the submitters: PubMed 11095995; PubMed 23184456; PubMed 23393157; PubMed 24561070; PubMed 26613940.

NC_000014.8:g.(?_67243162)_(67391029_?)del

Gene: GPHN (gephyrin; plus strand). Cytogenetic location: 14q23.3.
Variant type: Deletion.
Identifiers: ClinVar variation 534558 (VCV000534558.8).